The following is an entry in ClinVar:

NM_000642.3(AGL):c.2558A>G (p.Asp853Gly)

Gene: AGL (amylo-alpha-1,6-glucosidase and 4-alpha-glucanotransferase; plus strand). Cytogenetic location: 1p21.2.
Variant type: single nucleotide variant.
Coding change: c.2558A>G on transcript NM_000642.3 (MANE Select); coding-DNA position 2558, A replaced by G.
Protein change: p.Asp853Gly; replaces aspartic acid 853 with glycine.
Molecular consequence: missense variant.
Genome position (GRCh38, 1-based): chr1:99,884,580, A>G. VCF-style: chr1-99884580-A-G. GRCh37 (hg19) VCF-style: chr1-100350136-A-G.
Other names: c.2558A>G, p.Asp853Gly (NM_000028.3, NM_000643.3, NM_000644.3 and 2 more transcripts); c.2357A>G, p.Asp786Gly (NM_001425327.1); c.2354A>G, p.Asp785Gly (NM_001425328.1); c.2510A>G, p.Asp837Gly (NM_000646.3); c.2180A>G, p.Asp727Gly (NM_001425332.1); short protein forms D853G, D837G, D727G, D785G, D786G.
Identifiers: ClinVar variation 526562 (VCV000526562.9), dbSNP rs374531404, ClinGen allele CA27519418.

ClinVar aggregate classification (germline): Uncertain significance. Review status: criteria provided, multiple submitters, no conflicts (2 of 4 stars). 4 submissions from 4 submitters: Uncertain significance (3). 1 of the submissions does not count toward it. Last evaluated 2023-04-11.

Conditions:
Glycogen storage disease type III (GSD3). Also called: Cori disease; FORBES DISEASE. Identifiers: Orphanet 366, MedGen C0017922, MONDO:0009291, OMIM 232400.

Allele frequency attached by ClinVar (database versions not stated): gnomAD exomes 0.00001; gnomAD 0.00003 and 0.00004; TOPMed 0.00004.
gnomAD v4.1: 13 of 1,613,880 alleles (0.00081%); highest among the groups gnomAD compares: African/African-American, 0.011%; no homozygotes.

Submissions (4):

Genome-Nilou Lab
Classification: Uncertain significance for Glycogen storage disease type III. Last evaluated: 2023-04-11. Review status: criteria provided, single submitter. Criteria: ACMG Guidelines, 2015. Collection method: clinical testing. Allele origin: germline. Affected: no.

Labcorp Genetics (formerly Invitae), Labcorp
Classification: Uncertain significance for Glycogen storage disease type III. Last evaluated: 2022-01-13. Review status: criteria provided, single submitter. Criteria: Invitae Variant Classification Sherloc (09022015). Collection method: clinical testing. Allele origin: germline.
Comment: This sequence change replaces aspartic acid, which is acidic and polar, with glycine, which is neutral and non-polar, at codon 853 of the AGL protein (p.Asp853Gly). This variant is not present in population databases (gnomAD no frequency). This variant has not been reported in the literature in individuals affected with AGL-related conditions. ClinVar contains an entry for this variant (Variation ID: 526562). Algorithms developed to predict the effect of missense changes on protein structure and function (SIFT, PolyPhen-2, Align-GVGD) all suggest that this variant is likely to be tolerated. In summary, the available evidence is currently insufficient to determine the role of this variant in disease. Therefore, it has been classified as a Variant of Uncertain Significance.

Fulgent Genetics
Classification: Uncertain significance for Glycogen storage disease type III. Last evaluated: 2021-07-22. Review status: criteria provided, single submitter. Criteria: ACMG Guidelines, 2015. Collection method: clinical testing. Allele origin: unknown.

Natera, Inc.
Classification: Uncertain significance for Glycogen storage disease type III. Last evaluated: 2020-03-10. Review status: no assertion criteria provided. Collection method: clinical testing. Allele origin: germline. Not counted in ClinVar's aggregate classification.